The following is an entry in ClinVar:

NM_032520.5(GNPTG):c.7G>A (p.Ala3Thr)

Genes: GNPTG (N-acetylglucosamine-1-phosphate transferase subunit gamma; plus strand), LOC130058158 (ATAC-STARR-seq lymphoblastoid silent region 6972; plus strand). Cytogenetic location: 16p13.3.
Variant type: single nucleotide variant.
Coding change: c.7G>A on transcript NM_032520.5 (MANE Select); coding-DNA position 7, G replaced by A.
Protein change: p.Ala3Thr; replaces alanine 3 with threonine.
Molecular consequence: missense variant.
Genome position (GRCh38, 1-based): chr16:1,351,972, G>A. VCF-style: chr16-1351972-G-A. GRCh37 (hg19) VCF-style: chr16-1401973-G-A.
Other names: short protein forms A3T.
Identifiers: ClinVar variation 550565 (VCV000550565.12), dbSNP rs914207699, ClinGen allele CA276642445.

ClinVar aggregate classification (germline): Conflicting classifications of pathogenicity. Review status: criteria provided, conflicting classifications (1 of 4 stars). 8 submissions from 8 submitters: Uncertain significance (4); Benign (1); Likely benign (1). 2 of the submissions do not count toward it. Last evaluated 2024-08-02.

Conditions:
GNPTG-related disorder. Also called: GNPTG-related condition.
GNPTG-mucolipidosis. Also called: Mucolipidosis type III gamma; MUCOLIPIDOSIS III, COMPLEMENTATION GROUP C; MUCOLIPIDOSIS III, IRANIAN VARIANT FORM; MUCOLIPIDOSIS III, VARIANT FORM; ML III GAMMA; ML IIIC. Identifiers: Orphanet 423470, Orphanet 577, MedGen C1854896, MONDO:0009652, OMIM 252605.

Allele frequency attached by ClinVar (database versions not stated): 1000 Genomes Project 30x 0.00047; gnomAD 0.00050 and 0.00057; TOPMed 0.00064.
gnomAD v4.1: 141 of 1,317,162 alleles (0.011%); highest among the groups gnomAD compares: African/African-American, 0.19%; no homozygotes.

Submissions (8):

Women's Health and Genetics/Laboratory Corporation of America, LabCorp
Classification: Likely benign. Last evaluated: 2024-08-02. Review status: criteria provided, single submitter. Criteria: LabCorp Variant Classification Summary - May 2015. Collection method: clinical testing. Allele origin: germline.
Comment: Variant summary: GNPTG c.7G>A (p.Ala3Thr) results in a non-conservative amino acid change in the encoded protein sequence. Four of five in-silico tools predict a benign effect of the variant on protein function. The variant allele was found at a frequency of 0.00011 in 1317162 control chromosomes, predominantly at a frequency of 0.0019 within the African or African-American subpopulation in the gnomAD database. The observed variant frequency within African or African-American control individuals in the gnomAD database is approximately 1.075 fold of the estimated maximal expected allele frequency for a pathogenic variant in GNPTG causing Mucolipidosis III Gamma phenotype (0.0018). To our knowledge, no occurrence of c.7G>A in individuals affected with Mucolipidosis III Gamma and no experimental evidence demonstrating its impact on protein function have been reported. ClinVar contains an entry for this variant (Variation ID: 550565). Based on the evidence outlined above, the variant was classified as likely benign.

Blueprint Genetics
Classification: Benign. Last evaluated: 2024-06-10. Review status: criteria provided, single submitter. Criteria: ACMG Guidelines, 2015. Collection method: clinical testing. Allele origin: germline.

Labcorp Genetics (formerly Invitae), Labcorp
Classification: Uncertain significance. Last evaluated: 2022-10-13. Review status: criteria provided, single submitter. Criteria: Invitae Variant Classification Sherloc (09022015). Collection method: clinical testing. Allele origin: germline.
Comment: This sequence change replaces alanine, which is neutral and non-polar, with threonine, which is neutral and polar, at codon 3 of the GNPTG protein (p.Ala3Thr). This variant is present in population databases (no rsID available, gnomAD 0.1%). This variant has not been reported in the literature in individuals affected with GNPTG-related conditions. ClinVar contains an entry for this variant (Variation ID: 550565). Algorithms developed to predict the effect of missense changes on protein structure and function are either unavailable or do not agree on the potential impact of this missense change (SIFT: "Tolerated"; PolyPhen-2: "Not Available"; Align-GVGD: "Class C0"). In summary, the available evidence is currently insufficient to determine the role of this variant in disease. Therefore, it has been classified as a Variant of Uncertain Significance.

Genome-Nilou Lab
Classification: Uncertain significance for GNPTG-mucolipidosis. Last evaluated: 2021-11-07. Review status: criteria provided, single submitter. Criteria: ACMG Guidelines, 2015. Collection method: clinical testing. Allele origin: germline. Affected: no.

Fulgent Genetics
Classification: Uncertain significance for GNPTG-mucolipidosis. Last evaluated: 2018-10-31. Review status: criteria provided, single submitter. Criteria: ACMG Guidelines, 2015. Collection method: clinical testing. Allele origin: unknown.

Breakthrough Genomics
Classification: Uncertain significance. Review status: criteria provided, single submitter. Criteria: ACMG Guidelines, 2015. Collection method: not provided. Allele origin: germline. Inheritance: Autosomal recessive inheritance. Affected: yes.

PreventionGenetics, part of Exact Sciences
Classification: Likely benign for GNPTG-related condition. Last evaluated: 2023-08-08. Review status: no assertion criteria provided. Collection method: clinical testing. Allele origin: germline. Not counted in ClinVar's aggregate classification.
Comment: This variant is classified as likely benign based on ACMG/AMP sequence variant interpretation guidelines (Richards et al. 2015 PMID: 25741868, with internal and published modifications).

Counsyl
Classification: Uncertain significance for GNPTG-mucolipidosis. Last evaluated: 2017-02-01. Review status: no assertion criteria provided. Collection method: clinical testing. Allele origin: unknown. Not counted in ClinVar's aggregate classification.